The following is an entry in ClinVar:

ClinVar aggregate classification (germline): Benign. Review status: criteria provided, single submitter (1 of 4 stars). 2 submissions from 2 submitters: Benign (1). 1 of the submissions does not count toward it. Last evaluated 2026-02-04.

Conditions:
GALNT2-related disorder. Also called: GALNT2-related condition.

Allele frequency attached by ClinVar (database versions not stated): 1000 Genomes Project 30x 0.00062; 1000 Genomes Project 0.00080; TOPMed 0.00122; ESP Exome Variant Server 0.00123; gnomAD 0.00163 and 0.00173; gnomAD exomes 0.00201 and 0.00205; ExAC 0.00236.
gnomAD v4.1: 3,157 of 1,610,898 alleles (0.2%); highest among the groups gnomAD compares: Non-Finnish European, 0.21%; 2 homozygotes.

Submissions (2):

Labcorp Genetics (formerly Invitae), Labcorp
Classification: Benign. Last evaluated: 2026-02-04. Review status: criteria provided, single submitter. Criteria: Invitae Variant Classification Sherloc (09022015). Collection method: clinical testing. Allele origin: germline.

PreventionGenetics, part of Exact Sciences
Classification: Likely benign for GALNT2-related condition. Last evaluated: 2019-03-08. Review status: no assertion criteria provided. Collection method: clinical testing. Allele origin: germline. Not counted in ClinVar's aggregate classification.
Comment: This variant is classified as likely benign based on ACMG/AMP sequence variant interpretation guidelines (Richards et al. 2015 PMID: 25741868, with internal and published modifications).

NM_004481.5(GALNT2):c.374+10C>G

Gene: GALNT2 (polypeptide N-acetylgalactosaminyltransferase 2; plus strand). Cytogenetic location: 1q42.13.
Variant type: single nucleotide variant.
Coding change: c.374+10C>G on transcript NM_004481.5 (MANE Select); 10 bases into the intron after coding-DNA position 374, C replaced by G.
Molecular consequence: intron variant.
Genome position (GRCh38, 1-based): chr1:230,203,300, C>G. VCF-style: chr1-230203300-C-G. GRCh37 (hg19) VCF-style: chr1-230339046-C-G.
Other names: c.260+10C>G (NM_001291866.2); c.374+10C>G (NM_004481.4).
Identifiers: ClinVar variation 1598628 (VCV001598628.10), dbSNP rs72646701, ClinGen allele CA1446091.